The following is an entry in ClinVar:

ClinVar aggregate classification (germline): Pathogenic/Likely pathogenic. Review status: criteria provided, multiple submitters, no conflicts (2 of 4 stars). 3 submissions from 3 submitters: Pathogenic (1); Likely pathogenic (2). Last evaluated 2025-05-01.

Conditions:
Lethal congenital contractural syndrome Finnish type.
Lethal arthrogryposis-anterior horn cell disease syndrome (CAAHD). Also called: CONGENITAL ARTHROGRYPOSIS WITH ANTERIOR HORN CELL DISEASE. Identifiers: Orphanet 53696, MedGen C5193016, MONDO:0012750, OMIM 611890.
Lethal congenital contracture syndrome 1 (LCCS1). Also called: MULTIPLE CONTRACTURE SYNDROME, FINNISH TYPE. Identifiers: Orphanet 1486, MedGen C1854664, MONDO:0009670, OMIM 253310.

Allele frequency attached by ClinVar (database versions not stated): gnomAD 0.00001; gnomAD exomes 0.00002; TOPMed 0.00002; ExAC 0.00003; ESP Exome Variant Server 0.00008.
gnomAD v4.1: 33 of 1,600,504 alleles (0.0021%); highest among the groups gnomAD compares: Non-Finnish European, 0.0026%; no homozygotes.

Submissions (3):

Natera, Inc.
Classification: Likely pathogenic for Lethal congenital contractural syndrome Finnish type. Last evaluated: 2025-05-01. Review status: criteria provided, single submitter. Criteria: Natera Variant Classification Schema (03/2026). Collection method: clinical testing. Allele origin: germline.
Comment: The c.397C>T variant in GLE1 is a nonsense variant predicted to introduce a stop codon at amino acid 133. This variant is expected to result in nonsense mediated decay, truncation, or a dysfunctional protein product. This variant is rare in the general population with a frequency below the threshold expected for the associated phenotype(s). Given the available evidence, this variant is classified as Likely Pathogenic.

Fulgent Genetics
Classification: Likely pathogenic for Lethal congenital contracture syndrome 1; Lethal arthrogryposis-anterior horn cell disease syndrome. Last evaluated: 2024-04-13. Review status: criteria provided, single submitter. Criteria: ACMG Guidelines, 2015. Collection method: clinical testing. Allele origin: germline.

Labcorp Genetics (formerly Invitae), Labcorp
Classification: Pathogenic. Last evaluated: 2023-12-01. Review status: criteria provided, single submitter. Criteria: Invitae Variant Classification Sherloc (09022015). Collection method: clinical testing. Allele origin: germline.
Comment: This sequence change creates a premature translational stop signal (p.Arg133*) in the GLE1 gene. It is expected to result in an absent or disrupted protein product. Loss-of-function variants in GLE1 are known to be pathogenic (PMID: 18204449, 24243016, 27684565). This variant is present in population databases (rs374673335, gnomAD 0.003%). This variant has not been reported in the literature in individuals affected with GLE1-related conditions. ClinVar contains an entry for this variant (Variation ID: 632534). For these reasons, this variant has been classified as Pathogenic.

Literature cited by the submitters: PubMed 18204449 (cited by Labcorp Genetics (formerly Invitae), Labcorp); PubMed 24243016 (cited by Labcorp Genetics (formerly Invitae), Labcorp); PubMed 27684565 (cited by Labcorp Genetics (formerly Invitae), Labcorp).

NM_001003722.2(GLE1):c.397C>T (p.Arg133Ter)

Gene: GLE1 (GLE1 RNA export mediator; plus strand). Cytogenetic location: 9q34.11.
Variant type: single nucleotide variant.
Coding change: c.397C>T on transcript NM_001003722.2 (MANE Select); coding-DNA position 397, C replaced by T.
Protein change: p.Arg133Ter; replaces arginine 133 with a stop codon.
Molecular consequence: nonsense.
Genome position (GRCh38, 1-based): chr9:128,515,604, C>T. VCF-style: chr9-128515604-C-T. GRCh37 (hg19) VCF-style: chr9-131277883-C-T.
Other names: c.397C>T, p.Arg133Ter (NM_001499.2); short protein forms R133*.
Identifiers: ClinVar variation 632534 (VCV000632534.14), dbSNP rs374673335, ClinGen allele CA5263556.